The following is an entry in ClinVar:

NM_000199.5(SGSH):c.1276del (p.Asp426fs)

Gene: SGSH (N-sulfoglucosamine sulfohydrolase; minus strand). Cytogenetic location: 17q25.3.
Variant type: Deletion.
Coding change: c.1276del on transcript NM_000199.5 (MANE Select); coding-DNA position 1276, one base deleted (G; older notation c.1276delG).
Protein change: p.Asp426fs; shifts the reading frame from aspartic acid 426.
Molecular consequence: frameshift variant. On other transcripts: 3 prime UTR variant (2), non-coding transcript variant (1).
Genome position (GRCh38, 1-based): chr17:80,210,685, C deleted on the plus strand (G on the coding strand, the reverse complement: SGSH is on the minus strand); the first of 2 consecutive C bases (chr17:80,210,685-80,210,686); deleting either gives the same sequence. VCF-style (leftmost placement, unchanged base first): chr17-80210684-TC-T. GRCh37 (hg19) VCF-style: chr17-78184483-TC-T.
Other names: c.*363del (NM_001352921.3); c.*326del (NM_001352922.2); short protein forms D426fs.
Identifiers: ClinVar variation 2052169 (VCV002052169.4), dbSNP rs2510857678, ClinGen allele CA2580095286.
Genomic context (GRCh38, chr17:80,210,684, plus strand): 5'-TGGGGGTCCCGGCTCCGGTCGTAGAGCTCCCAGCGCGCCCGGTAGTAGTAATGACGGAGG[TC>T]CTTGTACCAGCCCGTGGGCTGACCAGCTGTGGTGCGGTTCAGGAGGTCCTGGAAGGTGGG-3'

ClinVar aggregate classification (germline): Pathogenic (1 of 4 stars; one submission).

Conditions:
Mucopolysaccharidosis, MPS-III-A (MPS3A). Also called: HEPARAN SULFATE SULFATASE DEFICIENCY; SANFILIPPO SYNDROME A; SULFAMIDASE DEFICIENCY; MPS III A; Mucopolysaccharidosis type IIIA (Sanfilippo A); Mucopolysaccharidosis, type IIIA. Identifiers: Orphanet 581, Orphanet 79269, MedGen C0086647, MONDO:0009655, OMIM 252900.

Submission:

Labcorp Genetics (formerly Invitae), Labcorp
Classification: Pathogenic for Mucopolysaccharidosis, MPS-III-A. Last evaluated: 2021-12-21. Review status: criteria provided, single submitter. Criteria: Invitae Variant Classification Sherloc (09022015). Collection method: clinical testing. Allele origin: germline.
Comment: This sequence change results in a frameshift in the SGSH gene (p.Asp426Thrfs*165). While this is not anticipated to result in nonsense mediated decay, it is expected to disrupt the last 77 amino acid(s) of the SGSH protein and extend the protein by 87 additional amino acid residues. This variant is not present in population databases (gnomAD no frequency). This variant has not been reported in the literature in individuals affected with SGSH-related conditions. This variant results in an extension of the SGSH protein. Other variant(s) that result in a similarly extended protein product (p.Gln449Argfs*142) have been determined to be pathogenic (PMID: 22976768; Invitae). This suggests that these extensions are likely to be disease-causing. For these reasons, this variant has been classified as Pathogenic.

Literature cited by the submitters: PubMed 22976768.